The following is an entry in ClinVar:

NM_001114753.3(ENG):c.360+5G>C

Gene: ENG (endoglin; minus strand). Cytogenetic location: 9q34.11.
Variant type: single nucleotide variant.
Coding change: c.360+5G>C on transcript NM_001114753.3 (MANE Select); 5 bases into the intron after coding-DNA position 360, G replaced by C.
Molecular consequence: intron variant.
Genome position (GRCh38, 1-based): chr9:127,829,682, C>G on the plus strand (G>C on the coding strand, the complement: ENG is on the minus strand). VCF-style: chr9-127829682-C-G. GRCh37 (hg19) VCF-style: chr9-130591961-C-G.
Other names: c.360+5G>C (NM_000118.4, NM_001406715.1, NM_001114753.1); c.-187+5G>C (NM_001278138.2).
Identifiers: ClinVar variation 407129 (VCV000407129.11), dbSNP rs1060501417, ClinGen allele CA16612712.

ClinVar aggregate classification (germline): Pathogenic/Likely pathogenic. Review status: criteria provided, multiple submitters, no conflicts (2 of 4 stars). 3 submissions from 3 submitters: Pathogenic (2); Likely pathogenic (1). Last evaluated 2022-02-05.

Conditions:
Cardiovascular phenotype. Identifiers: MedGen CN230736.
Hereditary hemorrhagic telangiectasia (HHT). Also called: ORW DISEASE; Osler Weber Rendu syndrome; OSLER-RENDU-WEBER DISEASE; Osler hemorrhagic telangiectasia syndrome. Identifiers: Orphanet 774, MedGen C0039445, MONDO:0019180. Disease mechanism: loss of function.

Submissions (3):

Labcorp Genetics (formerly Invitae), Labcorp
Classification: Pathogenic for Hereditary hemorrhagic telangiectasia. Last evaluated: 2022-02-05. Review status: criteria provided, single submitter. Criteria: Invitae Variant Classification Sherloc (09022015). Collection method: clinical testing. Allele origin: germline.
Comment: This sequence change falls in intron 3 of the ENG gene. It does not directly change the encoded amino acid sequence of the ENG protein. It affects a nucleotide within the consensus splice site. This variant is not present in population databases (gnomAD no frequency). This variant has been observed in individuals with hereditary hemorrhagic telangiectasia (PMID: 17384219; Invitae). ClinVar contains an entry for this variant (Variation ID: 407129). Variants that disrupt the consensus splice site are a relatively common cause of aberrant splicing (PMID: 17576681, 9536098). Algorithms developed to predict the effect of sequence changes on RNA splicing suggest that this variant may disrupt the consensus splice site. For these reasons, this variant has been classified as Pathogenic.

Ambry Genetics
Classification: Pathogenic for Cardiovascular phenotype. Last evaluated: 2021-02-17. Review status: criteria provided, single submitter. Criteria: Ambry Variant Classification Scheme 2023. Collection method: clinical testing. Allele origin: germline.
Comment: The c.360+5G>C intronic pathogenic mutation results from a G to C substitution 5 nucleotides after coding exon 3 in the ENG gene. This variant has been reported in a patient clinically affected with hereditary hemorrhagic telangiectasia (HHT) (Gedge F et al. J Mol Diagn, 2007 Apr;9:258-65). In addition, other variants affecting the same nucletotide position (G>A and G>T) have been detected in patients with HHT (Letteboer TG et al. Hum Genet, 2005 Jan;116:8-16; Lux A et al. Orphanet J Rare Dis, 2013 Jun;8:94). In addition, this mutation has been shown to segregate with disease (Ambry internal data). This variant was not reported in population-based cohorts in the Genome Aggregation Database (gnomAD). In silico splice site analysis predicts that this alteration will weaken the native splice donor site. Based on the supporting evidence, this alteration is interpreted as a disease-causing mutation.

GeneDx
Classification: Likely pathogenic. Last evaluated: 2017-03-10. Review status: criteria provided, single submitter. Criteria: GeneDx Variant Classification (06012015). Collection method: clinical testing. Allele origin: germline. Affected: yes.
Comment: A c.360+5 G>C variant that is likely pathogenic was identified in the ENG gene. The c.360+5 G>C variant has been previously reported in one individual with a confirmed clinical diagnosis of HHT (Gedge et al., 2007); although, further clinical details and segregation studies were not reported. The c.360+5 G>C variant is not observed in large population cohorts (Lek et al., 2016; 1000 Genomes Consortium et al., 2015; Exome Variant Server). In silico splice prediction programs predict this variant destroys the natural splice donor site in intron 3 which is predicted to cause abnormal gene splicing. This variant is predicted to lead to either an abnormal message that is subject to nonsense-mediated mRNA decay, or to an abnormal protein product if the message is used for protein translation. Other splice site variants in the ENG gene have been reported in HGMD in association with HHT (Stenson et al., 2014). Furthermore, this substitution occurs at a nucleotide that is conserved in mammals. Finally, a likely pathogenic variant at the same nucleotide position (c.360+5 G>A) has also been reported in association with HHT (Letteboer et al., 2005), supporting the functional significance of this nucleotide.

Literature cited by the submitters: PubMed 17384219 (cited by Labcorp Genetics (formerly Invitae), Labcorp and Ambry Genetics); PubMed 17576681 (cited by Labcorp Genetics (formerly Invitae), Labcorp); PubMed 9536098 (cited by Labcorp Genetics (formerly Invitae), Labcorp); PubMed 15517393 (cited by Ambry Genetics); PubMed 23805858 (cited by Ambry Genetics).